The following is an entry in ClinVar:

ClinVar aggregate classification (germline): Uncertain significance (1 of 4 stars; one submission).

Conditions:
Brugada syndrome 4 (BRGDA4). Identifiers: Orphanet 130, MedGen C2678477, MONDO:0012743, OMIM 611876.

gnomAD v4.1: 1 of 1,613,954 alleles (0.000062%); highest among the groups gnomAD compares: Non-Finnish European, 0.000085%; no homozygotes.

Submission:

Labcorp Genetics (formerly Invitae), Labcorp
Classification: Uncertain significance for Brugada syndrome 4. Last evaluated: 2024-05-15. Review status: criteria provided, single submitter. Criteria: Invitae Variant Classification Sherloc (09022015). Collection method: clinical testing. Allele origin: germline.
Comment: This sequence change replaces glycine, which is neutral and non-polar, with valine, which is neutral and non-polar, at codon 113 of the CACNB2 protein (p.Gly113Val). This variant is not present in population databases (gnomAD no frequency). This variant has not been reported in the literature in individuals affected with CACNB2-related conditions. Advanced modeling of protein sequence and biophysical properties (such as structural, functional, and spatial information, amino acid conservation, physicochemical variation, residue mobility, and thermodynamic stability) has been performed at Invitae for this missense variant, however the output from this modeling did not meet the statistical confidence thresholds required to predict the impact of this variant on CACNB2 protein function. In summary, the available evidence is currently insufficient to determine the role of this variant in disease. Therefore, it has been classified as a Variant of Uncertain Significance.

NM_201596.3(CACNB2):c.500G>T (p.Gly167Val)

Gene: CACNB2 (calcium voltage-gated channel auxiliary subunit beta 2; plus strand). Cytogenetic location: 10p12.31.
Variant type: single nucleotide variant.
Coding change: c.500G>T on transcript NM_201596.3 (MANE Select); coding-DNA position 500, G replaced by T.
Protein change: p.Gly167Val; replaces glycine 167 with valine.
Molecular consequence: missense variant.
Genome position (GRCh38, 1-based): chr10:18,500,855, G>T. VCF-style: chr10-18500855-G-T. GRCh37 (hg19) VCF-style: chr10-18789784-G-T.
Other names: c.335G>T, p.Gly112Val (NM_000724.4, NM_001330060.2); c.416G>T, p.Gly139Val (NM_001167945.2, NM_201571.4, NM_201572.4); c.356G>T, p.Gly119Val (NM_001410882.1, NM_201570.3); c.338G>T, p.Gly113Val (NM_201590.3); c.500G>T, p.Gly167Val (NM_201593.3, NM_201597.3); short protein forms G112V, G113V, G119V, G167V, G139V.
Identifiers: ClinVar variation 3678615 (VCV003678615.2).
Genomic context (GRCh38, chr10:18,500,855, plus strand): 5'-TTTGATTTTGTGTTTAGAAATTTAACAATGACTGGTGGATAGGGCGATTGGTAAAAGAAG[G>T]CTGTGAAATCGGATTCATTCCAAGCCCAGTCAAACTAGAAAACATGAGGCTGCAGCATGA-3'
Protein context (NP_963890.2, residues 157-177): DWWIGRLVKE[Gly167Val]CEIGFIPSPV